The following is an entry in ClinVar:

ClinVar aggregate classification (germline): Uncertain significance (1 of 4 stars; one submission).

Conditions:
KBG syndrome (KBGS). Also called: ANKRD11-Related KBG Syndrome. Identifiers: Orphanet 2332, MedGen C0220687, MONDO:0007846, OMIM 148050.

Submission:

Labcorp Genetics (formerly Invitae), Labcorp
Classification: Uncertain significance for KBG syndrome. Last evaluated: 2024-12-15. Review status: criteria provided, single submitter. Criteria: Invitae Variant Classification Sherloc (09022015). Collection method: clinical testing. Allele origin: germline.
Comment: This sequence change replaces glutamine, which is neutral and polar, with histidine, which is basic and polar, at codon 1956 of the ANKRD11 protein (p.Gln1956His). This variant is not present in population databases (gnomAD no frequency). This variant has not been reported in the literature in individuals affected with ANKRD11-related conditions. Invitae Evidence Modeling of protein sequence and biophysical properties (such as structural, functional, and spatial information, amino acid conservation, physicochemical variation, residue mobility, and thermodynamic stability) indicates that this missense variant is not expected to disrupt ANKRD11 protein function with a negative predictive value of 95%. In summary, the available evidence is currently insufficient to determine the role of this variant in disease. Therefore, it has been classified as a Variant of Uncertain Significance.

NM_013275.6(ANKRD11):c.5868G>C (p.Gln1956His)

Gene: ANKRD11 (ankyrin repeat domain 11; minus strand). Cytogenetic location: 16q24.3.
Variant type: single nucleotide variant.
Coding change: c.5868G>C on transcript NM_013275.6 (MANE Select); coding-DNA position 5868, G replaced by C.
Protein change: p.Gln1956His; replaces glutamine 1956 with histidine.
Molecular consequence: missense variant.
Genome position (GRCh38, 1-based): chr16:89,280,674, C>G on the plus strand (G>C on the coding strand, the complement: ANKRD11 is on the minus strand). VCF-style: chr16-89280674-C-G. GRCh37 (hg19) VCF-style: chr16-89347082-C-G.
Other names: c.5868G>C, p.Gln1956His (NM_001256182.2, NM_001256183.2); short protein forms Q1956H.
Identifiers: ClinVar variation 3637134 (VCV003637134.2).